The following is an entry in ClinVar:

NM_000026.4(ADSL):c.1447T>C (p.Cys483Arg)

Gene: ADSL (adenylosuccinate lyase; plus strand). Cytogenetic location: 22q13.1.
Variant type: single nucleotide variant.
Coding change: c.1447T>C on transcript NM_000026.4 (MANE Select); coding-DNA position 1447, T replaced by C.
Protein change: p.Cys483Arg; replaces cysteine 483 with arginine.
Molecular consequence: missense variant. On other transcripts: non-coding transcript variant (1), intron variant (1).
Genome position (GRCh38, 1-based): chr22:40,366,514, T>C. VCF-style: chr22-40366514-T-C. GRCh37 (hg19) VCF-style: chr22-40762518-T-C.
Other names: p.C483R:TGT>CGT; c.1270T>C, p.Cys424Arg (NM_001123378.3); c.1255T>C, p.Cys419Arg (NM_001317923.2); c.1431+16T>C (NM_001363840.3); short protein forms C483R, C424R, C419R.
Identifiers: ClinVar variation 204804 (VCV000204804.2), dbSNP rs767124073, ClinGen allele CA313125.

ClinVar aggregate classification (germline): Uncertain significance (1 of 4 stars; one submission).

Allele frequency attached by ClinVar (database versions not stated): gnomAD exomes 0.00001 and 0.00002; ExAC 0.00003.
gnomAD v4.1: 8 of 1,608,996 alleles (0.0005%); highest among the groups gnomAD compares: Admixed American, 0.005%; no homozygotes.

Submission:

GeneDx
Classification: Uncertain significance. Last evaluated: 2013-04-10. Review status: criteria provided, single submitter. Criteria: GeneDx Variant Classification (06012015). Collection method: clinical testing. Allele origin: germline. Affected: yes.
Comment: p.Cys483Arg (TGT>CGT): c.1447 T>C in exon 13 of the ADSL gene (NM_000026.2) The Cys483Arg missense change has not been published as a mutation, nor has it been reported as a benign polymorphism to our knowledge. It was not observed in approximately 6,500 individuals of European and African American ancestry in the NHLBI Exome Sequencing Project or among the various ethnic groups studied in the 1000 Genomes Project, indicating it is not a common benign variant in these populations. The amino acid substitution is non-conservative, as an uncharged Cysteine residue is replaced by a positively charged Arginine residue, and the loss of a Cysteine may alter disulfide bond formation in the protein. However, it alters a poorly conserved position in the protein. One in silico algorithm predicts it may be damaging to protein structure/function while others suggest it may be benign. Therefore, based on the currently available information, it is unclear whether Cys483Arg is a disease-causing mutation or a rare benign variant. The variant is found in EPILEPSY panel(s).